The following is an entry in ClinVar:

NM_020719.3(PRR12):c.1521T>G (p.Tyr507Ter)

Gene: PRR12 (proline rich 12; plus strand). Cytogenetic location: 19q13.33.
Variant type: single nucleotide variant.
Coding change: c.1521T>G on transcript NM_020719.3 (MANE Select); coding-DNA position 1521, T replaced by G.
Protein change: p.Tyr507Ter; replaces tyrosine 507 with a stop codon.
Molecular consequence: nonsense.
Genome position (GRCh38, 1-based): chr19:49,595,856, T>G. VCF-style: chr19-49595856-T-G. GRCh37 (hg19) VCF-style: chr19-50099113-T-G.
Other names: short protein forms Y507*.
Identifiers: ClinVar variation 1676830 (VCV001676830.1), dbSNP rs1186740723, ClinGen allele CA406865797.

ClinVar aggregate classification (germline): Pathogenic (1 of 4 stars; one submission).

Conditions:
Neuroocular syndrome. Identifiers: MedGen C5551362, MONDO:0859193.

Submission:

SIB Swiss Institute of Bioinformatics
Classification: Pathogenic for Neuroocular syndrome 1. Last evaluated: 2022-03-18. Review status: criteria provided, single submitter. Criteria: ACMG Guidelines, 2015. Collection method: curation. Allele origin: unknown.
Comment: This variant is interpreted as pathogenic for Neuroocular syndrome, autosomal dominant. The following ACMG Tag(s) were applied: Absent from controls (or at extremely low frequency if recessive) in Exome Sequencing Project, 1000 Genomes Project, or Exome Aggregation Consortium (PM2); De novo with paternity and maternity confirmed (PS2); Predicted nullvariant in a gene where LOF is a known mechanism of disease (PVS1 downgraded to strong).

Literature cited by the submitters: PubMed 33824499.